The following is an entry in ClinVar:

ClinVar aggregate classification (germline): Uncertain significance (0 of 4 stars; one submission).

Conditions:
EP400-related disorder. Also called: EP400-related condition.

Submission:

PreventionGenetics, part of Exact Sciences
Classification: Uncertain significance for EP400-related condition. Last evaluated: 2024-07-11. Review status: no assertion criteria provided. Collection method: clinical testing. Allele origin: germline.
Comment: The EP400 c.4168G>T variant is predicted to result in premature protein termination (p.Glu1390*). To our knowledge, this variant has not been reported in the literature or in a large population database, indicating this variant is rare. At this time, the clinical significance of this variant is uncertain due to the absence of conclusive functional and genetic evidence.

NM_015409.5(EP400):c.4168G>T (p.Glu1390Ter)

Gene: EP400 (E1A binding protein p400; plus strand). Cytogenetic location: 12q24.33.
Variant type: single nucleotide variant.
Coding change: c.4168G>T on transcript NM_015409.5 (MANE Select); coding-DNA position 4168, G replaced by T.
Protein change: p.Glu1390Ter; replaces glutamic acid 1390 with a stop codon.
Molecular consequence: nonsense.
Genome position (GRCh38, 1-based): chr12:132,018,267, G>T. VCF-style: chr12-132018267-G-T. GRCh37 (hg19) VCF-style: chr12-132502812-G-T.
Other names: short protein forms E1390*.
Identifiers: ClinVar variation 3346000 (VCV003346000.1).
Genomic context (GRCh38, chr12:132,018,267, plus strand): 5'-TAGGAAGCAGATCTTTCTATGTTTGATCTCATCGGCTTAGAAAATAAAATCACTCGTCAC[G>T]AGGCAGAGTTGCTGTCTAAGAAAAAGATACCGCGGAAACTCATGGAGGAAATCTCCACTT-3'